The following is an entry in ClinVar:

ClinVar aggregate classification (germline): Uncertain significance (1 of 4 stars; one submission).

Conditions:
Charcot-Marie-Tooth disease axonal type 2C (HMSN2C). Also called: Charcot-Marie-Tooth Disease Type 2, TRPV4-Related (CMT2C); CHARCOT-MARIE-TOOTH DISEASE, AXONAL, AUTOSOMAL DOMINANT, TYPE 2C; Charcot-Marie-Tooth Neuropathy Type 2C. Identifiers: Orphanet 99937, MedGen C1853710, MONDO:0011633, OMIM 606071.

Allele frequency attached by ClinVar (database versions not stated): gnomAD 0.00001; gnomAD exomes 0.00003 and 0.00006; TOPMed 0.00004.
gnomAD v4.1: 42 of 1,601,768 alleles (0.0026%); highest among the groups gnomAD compares: Admixed American, 0.021%; no homozygotes.

Submission:

Labcorp Genetics (formerly Invitae), Labcorp
Classification: Uncertain significance for Charcot-Marie-Tooth disease axonal type 2C. Last evaluated: 2025-03-27. Review status: criteria provided, single submitter. Criteria: Invitae Variant Classification Sherloc (09022015). Collection method: clinical testing. Allele origin: germline.
Comment: This sequence change replaces proline, which is neutral and non-polar, with leucine, which is neutral and non-polar, at codon 498 of the TRPV4 protein (p.Pro498Leu). This variant is present in population databases (no rsID available, gnomAD 0.03%), and has an allele count higher than expected for a pathogenic variant. This missense change has been observed in individual(s) with clinical features of TRPV4-related conditions (internal data). ClinVar contains an entry for this variant (Variation ID: 409286). An algorithm developed to predict the effect of missense changes on protein structure and function (PolyPhen-2) suggests that this variant is likely to be disruptive. In summary, the available evidence is currently insufficient to determine the role of this variant in disease. Therefore, it has been classified as a Variant of Uncertain Significance.

NM_021625.5(TRPV4):c.1493C>T (p.Pro498Leu)

Gene: TRPV4 (transient receptor potential cation channel subfamily V member 4; minus strand). Cytogenetic location: 12q24.11.
Variant type: single nucleotide variant.
Coding change: c.1493C>T on transcript NM_021625.5 (MANE Select); coding-DNA position 1493, C replaced by T.
Protein change: p.Pro498Leu; replaces proline 498 with leucine.
Molecular consequence: missense variant.
Genome position (GRCh38, 1-based): chr12:109,794,021, G>A on the plus strand (C>T on the coding strand, the complement: TRPV4 is on the minus strand). VCF-style: chr12-109794021-G-A. GRCh37 (hg19) VCF-style: chr12-110231826-G-A.
Other names: c.1352C>T, p.Pro451Leu (NM_001177428.2); c.1391C>T, p.Pro464Leu (NM_001177431.2); c.1172C>T, p.Pro391Leu (NM_001177433.2); c.1313C>T, p.Pro438Leu (NM_147204.3); short protein forms P498L, P464L, P391L, P438L, P451L.
Identifiers: ClinVar variation 409286 (VCV000409286.10), dbSNP rs1051494811, ClinGen allele CA16613533.
Genomic context (GRCh38, chr12:109,794,021, plus strand): 5'-AGCGTAATGACCTCGCCAGCCAGCCGCAGGTAGTCCACCGTGGTGCGGTAAGGGTACGGC[G>A]GCTGGGGAGCAGCAAGGGCACACAGGTCGTCACCCAGCCCCTCCAACATCTGGCCCCCAA-3'
Protein context (NP_067638.3, residues 488-508): TAYYQPLEGT[Pro498Leu]PYPYRTTVDY